The following is an entry in ClinVar:

ClinVar aggregate classification (germline): Pathogenic (1 of 4 stars; one submission).

Conditions:
Carnitine palmitoyl transferase 1A deficiency. Also called: CPT deficiency, hepatic, type IA; CPT I DEFICIENCY; CPT DEFICIENCY, HEPATIC, TYPE I; Carnitine palmitoyltransferase 1A deficiency; Carnitine palmitoyltransferase type I deficiency. Identifiers: Orphanet 156, MedGen C1829703, MONDO:0009705, OMIM 255120.

Submission:

Labcorp Genetics (formerly Invitae), Labcorp
Classification: Pathogenic for Carnitine palmitoyl transferase 1A deficiency. Last evaluated: 2020-06-17. Review status: criteria provided, single submitter. Criteria: Invitae Variant Classification Sherloc (09022015). Collection method: clinical testing. Allele origin: germline.
Comment: For these reasons, this variant has been classified as Pathogenic. Loss-of-function variants in CPT1A are known to be pathogenic (PMID: 16169268). This variant has not been reported in the literature in individuals with CPT1A-related conditions. This variant is not present in population databases (ExAC no frequency). This sequence change creates a premature translational stop signal (p.Val570Alafs*41) in the CPT1A gene. It is expected to result in an absent or disrupted protein product.

Literature cited by the submitters: PubMed 16169268.

NM_001876.4(CPT1A):c.1709_1710del (p.Val570fs)

Gene: CPT1A (carnitine palmitoyltransferase 1A; minus strand). Cytogenetic location: 11q13.3.
Variant type: Microsatellite.
Coding change: c.1709_1710del on transcript NM_001876.4 (MANE Select); coding-DNA positions 1709 to 1710, 2 bases deleted (TG; older notation c.1709_1710delTG).
Protein change: p.Val570fs; shifts the reading frame from valine 570.
Molecular consequence: frameshift variant.
Genome position (GRCh38, 1-based): chr11:68,773,295-68,773,296, CA deleted on the plus strand (TG on the coding strand, the reverse complement: CPT1A is on the minus strand); deleting any 2 consecutive bases within chr11:68,773,295-68,773,298 gives the same sequence; the c. name uses the placement nearest the transcript's 3' end. VCF-style (leftmost placement, unchanged base first): chr11-68773294-GCA-G. GRCh37 (hg19) VCF-style: chr11-68540762-GCA-G.
Other names: c.1709_1710del, p.Val570fs (NM_001031847.3); short protein forms V570fs.
Identifiers: ClinVar variation 1075591 (VCV001075591.7), dbSNP rs2153996775, ClinGen allele CA2580615801.
Genomic context (GRCh38, chr11:68,773,294, plus strand): 5'-CACGACAAAACCCTAGGCGGTCAGTTCTTACCTTGTAGTGCGCCAGCTGGAGGGCCAGCT[GCA>G]CAAAGGCGTCTGGGCTCGTGCGACATTTCTTGATGATTCCTTTACCAAAGGCTACGAATG-3'